The following is an entry in ClinVar:

ClinVar aggregate classification (germline): Uncertain significance (1 of 4 stars; one submission).

Conditions:
RARA-related condition.

Submission:

PreventionGenetics, part of Exact Sciences
Classification: Uncertain significance for RARA-related condition. Last evaluated: 2025-09-24. Review status: criteria provided, single submitter. Criteria: ACMG Guidelines, 2015. Collection method: clinical testing. Allele origin: germline.
Comment: The RARA c.907G>A variant is predicted to result in the amino acid substitution p.Gly303Ser. To our knowledge, this variant has not been reported as a germline variant in the literature or in a large population database (gnomAD), indicating this variant is rare. At this time, the clinical significance of this variant is uncertain due to the absence of conclusive functional and genetic evidence.

NM_000964.4(RARA):c.907G>A (p.Gly303Ser)

Gene: RARA (retinoic acid receptor alpha; plus strand). Cytogenetic location: 17q21.2.
Variant type: single nucleotide variant.
Coding change: c.907G>A on transcript NM_000964.4 (MANE Select); coding-DNA position 907, G replaced by A.
Protein change: p.Gly303Ser; replaces glycine 303 with serine.
Molecular consequence: missense variant.
Genome position (GRCh38, 1-based): chr17:40,354,401, G>A. VCF-style: chr17-40354401-G-A. GRCh37 (hg19) VCF-style: chr17-38510653-G-A.
Other names: c.892G>A, p.Gly298Ser (NM_001024809.4); c.907G>A, p.Gly303Ser (NM_001145301.3); c.616G>A, p.Gly206Ser (NM_001145302.3); short protein forms G206S, G303S, G298S.
Identifiers: ClinVar variation 4993742 (VCV004993742.1).